The following is an entry in ClinVar:

NM_000059.4(BRCA2):c.7783G>T (p.Ala2595Ser)

Gene: BRCA2 (BRCA2 DNA repair associated; plus strand). Cytogenetic location: 13q13.1.
Variant type: single nucleotide variant.
Coding change: c.7783G>T on transcript NM_000059.4 (MANE Select); coding-DNA position 7783, G replaced by T.
Protein change: p.Ala2595Ser; replaces alanine 2595 with serine.
Molecular consequence: missense variant.
Genome position (GRCh38, 1-based): chr13:32,357,907, G>T. VCF-style: chr13-32357907-G-T. GRCh37 (hg19) VCF-style: chr13-32932044-G-T.
Other names: short protein forms A2595S.
Identifiers: ClinVar variation 52408 (VCV000052408.29), dbSNP rs80359007, ClinGen allele CA025273.

ClinVar aggregate classification (germline): Conflicting classifications of pathogenicity. Review status: criteria provided, conflicting classifications (1 of 4 stars). 9 submissions from 9 submitters: Uncertain significance (6); Likely benign (1). 2 of the submissions do not count toward it. Last evaluated 2026-01-28.

Conditions:
Hereditary cancer-predisposing syndrome. Also called: Neoplastic Syndromes, Hereditary; Tumor predisposition; Hereditary neoplastic syndrome; Hereditary Cancer Syndrome. Identifiers: Orphanet 140162, MedGen C0027672, MeSH D009386, MONDO:0015356.
Hereditary breast ovarian cancer syndrome. Also called: Hereditary breast and ovarian cancer syndrome; Hereditary breast and ovarian cancer; Hereditary breast and ovarian cancer syndrome (HBOC); Breast and ovarian cancer; Hereditary breast and/or ovarian cancer syndrome; BRCA1- and BRCA2-Associated Hereditary Breast and Ovarian Cancer. Identifiers: Orphanet 145, MedGen C0677776, MeSH D061325, MONDO:0003582. Disease mechanism: loss of function.
Breast-ovarian cancer, familial, susceptibility to, 2 (BROVCA2). Also called: BRCA2 Hereditary Breast and Ovarian Cancer. Identifiers: Orphanet 145, MedGen C2675520, MONDO:0012933, OMIM 612555. Disease mechanism: loss of function.
Familial cancer of breast. Also called: BREAST CANCER, FAMILIAL; Hereditary breast cancer; hereditary breast carcinoma. Identifiers: Orphanet 227535, MedGen C0346153, MONDO:0016419, OMIM 114480. Disease mechanism: loss of function.

Allele frequency attached by ClinVar (database versions not stated): ExAC 0.00001; TOPMed 0.00001; ESP Exome Variant Server 0.00008.
gnomAD v4.1: 3 of 1,614,090 alleles (0.00019%); highest among the groups gnomAD compares: Non-Finnish European, 0.00025%; no homozygotes.

Submissions (9):

Labcorp Genetics (formerly Invitae), Labcorp
Classification: Uncertain significance for Hereditary breast ovarian cancer syndrome. Last evaluated: 2026-01-28. Review status: criteria provided, single submitter. Criteria: Invitae Variant Classification Sherloc (09022015). Collection method: clinical testing. Allele origin: germline.
Comment: This sequence change replaces alanine, which is neutral and non-polar, with serine, which is neutral and polar, at codon 2595 of the BRCA2 protein (p.Ala2595Ser). This variant is present in population databases (rs80359007, gnomAD 0.0009%). This missense change has been observed in individual(s) with BRCA2-related conditions (PMID: 10923033). ClinVar contains an entry for this variant (Variation ID: 52408). Invitae Evidence Modeling of protein sequence and biophysical properties (such as structural, functional, and spatial information, amino acid conservation, physicochemical variation, residue mobility, and thermodynamic stability) indicates that this missense variant is not expected to disrupt BRCA2 protein function with a negative predictive value of 95%. In summary, the available evidence is currently insufficient to determine the role of this variant in disease. Therefore, it has been classified as a Variant of Uncertain Significance.

Color Diagnostics, LLC DBA Color Health
Classification: Uncertain significance for Hereditary cancer-predisposing syndrome. Last evaluated: 2025-07-05. Review status: criteria provided, single submitter. Criteria: ACMG Guidelines, 2015. Collection method: clinical testing. Allele origin: germline.
Comment: This missense variant replaces alanine with serine at codon 2595 of the BRCA2 protein. Computational prediction suggests that this variant may not impact protein structure and function. Functional studies have reported that this variant does not impact BRCA2 function in a haploid cell proliferation assay and in sensitivity assays to cisplatin and PARP inhibitor (PMID: 39779848, 39779857). This variant has been observed in an individual with a personal or family history of breast and/or ovarian cancer (PMID: 35753294, 37415649). Multifactorial analysis has reached a combined likelihood ratio for pathogenicity of 0.2491 based on published LR for co-occurrence with a pathogenic covariant and personal and family history (PMID: 31131967, 31853058). This variant has been identified in 1/246168 chromosomes in the general population by the Genome Aggregation Database (gnomAD). The available evidence is insufficient to determine the role of this variant in disease conclusively. Therefore, this variant is classified as a Variant of Uncertain Significance.

Ambry Genetics
Classification: Likely benign for Hereditary cancer-predisposing syndrome. Last evaluated: 2025-05-19. Review status: criteria provided, single submitter. Criteria: Ambry Variant Classification Scheme 2023. Collection method: clinical testing. Allele origin: germline.

Baylor Genetics
Classification: Uncertain significance for Familial cancer of breast. Last evaluated: 2024-03-27. Review status: criteria provided, single submitter. Criteria: ACMG Guidelines, 2015. Collection method: clinical testing. Allele origin: unknown.

All of Us Research Program, National Institutes of Health
Classification: Uncertain significance for Breast-ovarian cancer, familial, susceptibility to, 2. Last evaluated: 2023-06-28. Review status: criteria provided, single submitter. Criteria: ACMG Guidelines, 2015. Collection method: clinical testing. Allele origin: germline. Inheritance: Autosomal dominant inheritance. Observed: 2 variant alleles, 2 heterozygotes.
Comment: This missense variant replaces alanine with serine at codon 2595 of the BRCA2 protein. Computational prediction suggests that this variant may not impact protein structure and function (internally defined REVEL score threshold <= 0.5, PMID: 27666373). To our knowledge, functional studies have not been reported for this variant. This variant has been observed in an individual with a personal or family history of breast and/or ovarian cancer (PMID: 35753294). This variant has been identified in 1/246168 chromosomes in the general population by the Genome Aggregation Database (gnomAD). The available evidence is insufficient to determine the role of this variant in disease conclusively. Therefore, this variant is classified as a Variant of Uncertain Significance.

This study involves interpretation of variants in research participants for the purpose of population health screening. Participant phenotype was not available at the time of variant classification. Additional details can be found in publication PMID: 35346344, PMCID: PMC8962531

Women's Health and Genetics/Laboratory Corporation of America, LabCorp
Classification: Uncertain significance. Last evaluated: 2022-11-04. Review status: criteria provided, single submitter. Criteria: LabCorp Variant Classification Summary - May 2015. Collection method: clinical testing. Allele origin: germline.
Comment: Variant summary: BRCA2 c.7783G>T (p.Ala2595Ser) results in a conservative amino acid change located in the Breast cancer type 2 susceptibility protein, helical domain (IPR015252) of the encoded protein sequence. Three of four in-silico tools predict a damaging effect of the variant on protein function. The variant was absent in 251398 control chromosomes. The available data on variant occurrences in the general population are insufficient to allow any conclusion about variant significance. c.7783G>T has been reported in the literature in an individual affected with Hereditary Breast And Ovarian Cancer Syndrome without strong evidence for causality (Bisgin_2022). This report does not provide unequivocal conclusions about association of the variant with Hereditary Breast And Ovarian Cancer Syndrome. To our knowledge, no experimental evidence demonstrating an impact on protein function has been reported. Four clinical diagnostic laboratories have submitted clinical-significance assessments for this variant to ClinVar after 2014 without evidence for independent evaluation. All laboratories classified the variant as uncertain significance. Based on the evidence outlined above, the variant was classified as uncertain significance.

Quest Diagnostics Nichols Institute San Juan Capistrano
Classification: Uncertain significance. Last evaluated: 2019-08-06. Review status: criteria provided, single submitter. Criteria: Quest Diagnostics criteria. Collection method: clinical testing. Allele origin: germline.

Sharing Clinical Reports Project (SCRP)
Classification: Uncertain significance for Breast-ovarian cancer, familial 2. Last evaluated: 2006-08-29. Review status: no assertion criteria provided. Collection method: clinical testing. Allele origin: germline. Not counted in ClinVar's aggregate classification.

Breast Cancer Information Core (BIC) (BRCA2)
Classification: Uncertain significance for Breast-ovarian cancer, familial 2. Last evaluated: 2003-12-23. Review status: no assertion criteria provided. Collection method: clinical testing. Allele origin: germline. Affected: yes. Observed: 1 variant allele. Not counted in ClinVar's aggregate classification.

Literature cited by the submitters: PubMed 10923033 (cited by Labcorp Genetics (formerly Invitae), Labcorp); PubMed 31131967 (cited by Color Diagnostics, LLC DBA Color Health); PubMed 31853058 (cited by Color Diagnostics, LLC DBA Color Health); PubMed 35753294 (cited by 4 submitters); PubMed 37415649 (cited by Color Diagnostics, LLC DBA Color Health and Ambry Genetics); PubMed 39779848 (cited by Color Diagnostics, LLC DBA Color Health); PubMed 39779857 (cited by Color Diagnostics, LLC DBA Color Health); PubMed 19043619 (cited by Ambry Genetics and Quest Diagnostics Nichols Institute San Juan Capistrano).